The following is an entry in ClinVar:

NM_004447.6(EPS8):c.1929A>G (p.Ala643=)

Gene: EPS8 (EGFR pathway substrate 8, signaling adaptor; minus strand). Cytogenetic location: 12p12.3.
Variant type: single nucleotide variant.
Coding change: c.1929A>G on transcript NM_004447.6 (MANE Select); coding-DNA position 1929, A replaced by G.
Protein change: p.Ala643=; no amino-acid change (alanine 643 retained).
Molecular consequence: synonymous variant. On other transcripts: non-coding transcript variant (3).
Genome position (GRCh38, 1-based): chr12:15,631,557, T>C on the plus strand (A>G on the coding strand, the complement: EPS8 is on the minus strand). VCF-style: chr12-15631557-T-C. GRCh37 (hg19) VCF-style: chr12-15784491-T-C.
Other names: c.1929A>G (NM_004447.5); c.1965A>G, p.Ala655= (NM_001413831.1); c.1929A>G, p.Ala643= (NM_001413832.1, NM_001413833.1, NM_001413834.1); c.1689A>G, p.Ala563= (NM_001413835.1, NM_001413836.1); c.1512A>G, p.Ala504= (NM_001413837.1); c.1149A>G, p.Ala383= (NM_001413838.1).
Identifiers: ClinVar variation 2982765 (VCV002982765.5), dbSNP rs939367117, ClinGen allele CA233343836.
Genomic context (GRCh38, chr12:15,631,557, plus strand): 5'-GTCACTGGAGCTGCTGTTTTGACGTGTTATATTTGCTGGGACCTTTGACACAGGAACAGG[T>C]GCTGGAGTGGAAGGGGGAAGGGGAACAGGAACAGGAGCTGGTGTTGGAGGAGGTGATGGA-3'
Protein context (NP_004438.3, residues 633-653): VPVPLPPSTP[Ala643=]PVPVSKVPAN

ClinVar aggregate classification (germline): Likely benign. Review status: criteria provided, single submitter (1 of 4 stars). 2 submissions from 2 submitters: Likely benign (1). 1 of the submissions does not count toward it. Last evaluated 2023-05-01.

Conditions:
EPS8-related disorder. Also called: EPS8-related condition.

Allele frequency attached by ClinVar (database versions not stated): gnomAD exomes 0.00001.
gnomAD v4.1: 14 of 1,613,824 alleles (0.00087%); highest among the groups gnomAD compares: Non-Finnish European, 0.0011%; no homozygotes.

Submissions (2):

Labcorp Genetics (formerly Invitae), Labcorp
Classification: Likely benign. Last evaluated: 2023-05-01. Review status: criteria provided, single submitter. Criteria: Invitae Variant Classification Sherloc (09022015). Collection method: clinical testing. Allele origin: germline.

PreventionGenetics, part of Exact Sciences
Classification: Likely benign for EPS8-related condition. Last evaluated: 2019-03-11. Review status: no assertion criteria provided. Collection method: clinical testing. Allele origin: germline. Not counted in ClinVar's aggregate classification.
Comment: This variant is classified as likely benign based on ACMG/AMP sequence variant interpretation guidelines (Richards et al. 2015 PMID: 25741868, with internal and published modifications).